The following is an entry in ClinVar:

NM_000215.4(JAK3):c.1912C>G (p.Leu638Val)

Gene: JAK3 (Janus kinase 3; minus strand). Cytogenetic location: 19p13.11.
Variant type: single nucleotide variant.
Coding change: c.1912C>G on transcript NM_000215.4 (MANE Select); coding-DNA position 1912, C replaced by G.
Protein change: p.Leu638Val; replaces leucine 638 with valine.
Molecular consequence: missense variant.
Genome position (GRCh38, 1-based): chr19:17,835,926, G>C on the plus strand (C>G on the coding strand, the complement: JAK3 is on the minus strand). VCF-style: chr19-17835926-G-C. GRCh37 (hg19) VCF-style: chr19-17946735-G-C.
Other names: short protein forms L638V.
Identifiers: ClinVar variation 851590 (VCV000851590.9), dbSNP rs757311496, ClinGen allele CA404768784.

ClinVar aggregate classification (germline): Uncertain significance (1 of 4 stars; one submission).

Conditions:
T-B+ severe combined immunodeficiency due to JAK3 deficiency. Also called: SCID, T CELL-NEGATIVE, B CELL-POSITIVE, NK CELL-NEGATIVE; SCID, autosomal recessive, T-negative/B-positive type. Identifiers: Orphanet 35078, MedGen C1833275, MONDO:0010938, OMIM 600802.

Submission:

Labcorp Genetics (formerly Invitae), Labcorp
Classification: Uncertain significance for T-B+ severe combined immunodeficiency due to JAK3 deficiency. Last evaluated: 2019-02-05. Review status: criteria provided, single submitter. Criteria: Invitae Variant Classification Sherloc (09022015). Collection method: clinical testing. Allele origin: germline.
Comment: In summary, the available evidence is currently insufficient to determine the role of this variant in disease. Therefore, it has been classified as a Variant of Uncertain Significance. Algorithms developed to predict the effect of missense changes on protein structure and function (SIFT, PolyPhen-2, Align-GVGD) all suggest that this variant is likely to be disruptive, but these predictions have not been confirmed by published functional studies and their clinical significance is uncertain. This variant has not been reported in the literature in individuals with JAK3-related conditions. This variant is not present in population databases (ExAC no frequency). This sequence change replaces leucine with valine at codon 638 of the JAK3 protein (p.Leu638Val). The leucine residue is highly conserved and there is a small physicochemical difference between leucine and valine.